The following is an entry in ClinVar:

ClinVar aggregate classification (germline): Uncertain significance (1 of 4 stars; one submission).

Submission:

Labcorp Genetics (formerly Invitae), Labcorp
Classification: Uncertain significance. Last evaluated: 2022-07-22. Review status: criteria provided, single submitter. Criteria: Invitae Variant Classification Sherloc (09022015). Collection method: clinical testing. Allele origin: germline.
Comment: A copy number gain of the genomic region encompassing the full coding sequence of the ADAMTS10 gene has been identified. The boundaries of this event are unknown as they extend beyond the assayed region for this gene and therefore may encompass additional genes. As the precise location of this event is unknown, it may be in tandem or it may be located elsewhere in the genome. This variant has not been reported in the literature in individuals affected with ADAMTS10-related conditions. In summary, the available evidence is currently insufficient to determine the role of this variant in disease. Therefore, it has been classified as a Variant of Uncertain Significance.

NC_000019.9:g.(?_8645777)_(8670595_?)dup

Gene: ADAMTS10 (ADAM metallopeptidase with thrombospondin type 1 motif 10; minus strand). Cytogenetic location: 19p13.2.
Variant type: Duplication.
Identifiers: ClinVar variation 1445111 (VCV001445111.4).